The following is an entry in ClinVar:

ClinVar aggregate classification (germline): Pathogenic/Likely pathogenic. Review status: criteria provided, multiple submitters, no conflicts (2 of 4 stars). 2 submissions from 2 submitters: Pathogenic (1); Likely pathogenic (1). Last evaluated 2024-10-23.

Conditions:
Osteogenesis imperfecta type III (OI3). Also called: Osteogenesis imperfecta type 3; OI type 3; Osteogenesis imperfecta, progressively deforming with normal sclerae; OI type III; Progressively Deforming Osteogenesis Imperfecta. Identifiers: Orphanet 216812, Orphanet 666, MedGen C0268362, MONDO:0009804, OMIM 259420.
Osteogenesis imperfecta (OI). Identifiers: Orphanet 666, MedGen C0029434, MeSH D010013, MONDO:0019019.

Submissions (2):

Women's Health and Genetics/Laboratory Corporation of America, LabCorp
Classification: Pathogenic for Osteogenesis imperfecta. Last evaluated: 2024-10-23. Review status: criteria provided, single submitter. Criteria: LabCorp Variant Classification Summary - May 2015. Collection method: clinical testing. Allele origin: germline.
Comment: Variant summary: P3H1 c.1980dupA (p.Val661SerfsX32) results in a premature termination codon, predicted to cause a truncation of the encoded protein, which is a commonly known mechanism for disease. Multiple downstream truncating variants, such as c.2143C>T (p.Gln715Ter, PATH/ClinVar) have been reported in HGMD and ClinVar.The variant was absent in 248126 control chromosomes. c.1980dupA has been reported in the literature in at-least one individual affected with Osteogenesis Imperfecta (example, Madhuri_2021). These data indicate that the variant may be associated with disease. To our knowledge, no experimental evidence demonstrating an impact on protein function has been reported. The following publication has been ascertained in the context of this evaluation (PMID: 32770541). ClinVar contains an entry for this variant (Variation ID: 684745). Based on the evidence outlined above, the variant was classified as pathogenic.

Paediatric Orthopaedics Research Lab, Christian Medical College
Classification: Likely pathogenic for Osteogenesis imperfecta type III. Last evaluated: 2019-01-12. Review status: criteria provided, single submitter. Criteria: ACMG Guidelines, 2015. Collection method: research. Allele origin: germline. Affected: yes. Observed: 1 variant allele.

Literature cited by the submitters: PubMed 32770541 (cited by Women's Health and Genetics/Laboratory Corporation of America, LabCorp).

NM_022356.4(P3H1):c.1980dup (p.Val661fs)

Gene: P3H1 (prolyl 3-hydroxylase 1; minus strand). Cytogenetic location: 1p34.2.
Variant type: Duplication.
Coding change: c.1980dup on transcript NM_022356.4 (MANE Select); coding-DNA position 1980, one base duplicated (A; older notation c.1980dupA).
Protein change: p.Val661fs; shifts the reading frame from valine 661.
Molecular consequence: frameshift variant.
Genome position (GRCh38, 1-based): chr1:42,747,347, T duplicated on the plus strand (A on the coding strand, the reverse complement: P3H1 is on the minus strand). VCF-style (leftmost placement, unchanged base first): chr1-42747346-C-CT. GRCh37 (hg19) VCF-style: chr1-43213017-C-CT.
Other names: c.1980dupA (NM_022356.4); c.1980dup, p.Val661fs (NM_001146289.2, NM_001243246.2); short protein forms V661fs.
Identifiers: ClinVar variation 684745 (VCV000684745.4), dbSNP rs1570453963, ClinGen allele CA915941219.